The following is an entry in ClinVar:

ClinVar aggregate classification (germline): Likely pathogenic (1 of 4 stars; one submission).

Conditions:
PMM2-congenital disorder of glycosylation. Also called: CDG Ia; JAEKEN SYNDROME; PMM2-CDG; PHOSPHOMANNOMUTASE 2 DEFICIENCY; CARBOHYDRATE-DEFICIENT GLYCOPROTEIN SYNDROME, TYPE Ia; Congenital disorder of glycosylation, type Ia. Identifiers: Orphanet 79318, MedGen C0349653, MONDO:0008907, OMIM 212065.

gnomAD v4.1: 1 of 1,614,038 alleles (0.000062%); highest among the groups gnomAD compares: Admixed American, 0.0017%; no homozygotes.

Submission:

Labcorp Genetics (formerly Invitae), Labcorp
Classification: Likely pathogenic for PMM2-congenital disorder of glycosylation. Last evaluated: 2024-12-10. Review status: criteria provided, single submitter. Criteria: Invitae Variant Classification Sherloc (09022015). Collection method: clinical testing. Allele origin: germline.
Comment: This sequence change replaces valine, which is neutral and non-polar, with leucine, which is neutral and non-polar, at codon 231 of the PMM2 protein (p.Val231Leu). This variant is present in population databases (no rsID available, gnomAD 0.003%). This variant has not been reported in the literature in individuals affected with PMM2-related conditions. ClinVar contains an entry for this variant (Variation ID: 3008048). Invitae Evidence Modeling of protein sequence and biophysical properties (such as structural, functional, and spatial information, amino acid conservation, physicochemical variation, residue mobility, and thermodynamic stability) indicates that this missense variant is expected to disrupt PMM2 protein function with a positive predictive value of 95%. This variant disrupts the p.Val231 amino acid residue in PMM2. Other variant(s) that disrupt this residue have been determined to be pathogenic (PMID: 9497260, 10801058, 15844218, 23430838, 25355454). This suggests that this residue is clinically significant, and that variants that disrupt this residue are likely to be disease-causing. In summary, the currently available evidence indicates that the variant is pathogenic, but additional data are needed to prove that conclusively. Therefore, this variant has been classified as Likely Pathogenic.

Literature cited by the submitters: PubMed 9497260; PubMed 10801058; PubMed 15844218; PubMed 23430838; PubMed 25355454.

NM_000303.3(PMM2):c.691G>C (p.Val231Leu)

Gene: PMM2 (phosphomannomutase 2; plus strand). Cytogenetic location: 16p13.2.
Variant type: single nucleotide variant.
Coding change: c.691G>C on transcript NM_000303.3 (MANE Select); coding-DNA position 691, G replaced by C.
Protein change: p.Val231Leu; replaces valine 231 with leucine.
Molecular consequence: missense variant.
Genome position (GRCh38, 1-based): chr16:8,847,775, G>C. VCF-style: chr16-8847775-G-C. GRCh37 (hg19) VCF-style: chr16-8941632-G-C.
Other names: short protein forms V231L.
Identifiers: ClinVar variation 3008048 (VCV003008048.3), dbSNP rs80338707, ClinGen allele CA394689581.